The following is an entry in ClinVar:

NM_004525.3(LRP2):c.4270G>T (p.Asp1424Tyr)

Gene: LRP2 (LDL receptor related protein 2; minus strand). Cytogenetic location: 2q31.1.
Variant type: single nucleotide variant.
Coding change: c.4270G>T on transcript NM_004525.3 (MANE Select); coding-DNA position 4270, G replaced by T.
Protein change: p.Asp1424Tyr; replaces aspartic acid 1424 with tyrosine.
Molecular consequence: missense variant.
Genome position (GRCh38, 1-based): chr2:169,239,551, C>A on the plus strand (G>T on the coding strand, the complement: LRP2 is on the minus strand). VCF-style: chr2-169239551-C-A. GRCh37 (hg19) VCF-style: chr2-170096061-C-A.
Other names: short protein forms D1424Y.
Identifiers: ClinVar variation 1360968 (VCV001360968.5), dbSNP rs777093582, ClinGen allele CA1954860.

ClinVar aggregate classification (germline): Uncertain significance. Review status: criteria provided, multiple submitters, no conflicts (2 of 4 stars). 2 submissions from 2 submitters: Uncertain significance (2). Last evaluated 2023-08-04.

Conditions:
Donnai-Barrow syndrome. Also called: DBS/FOAR SYNDROME; FACIOOCULOACOUSTICORENAL SYNDROME. Identifiers: Orphanet 2143, MedGen C1857277, MONDO:0009104, OMIM 222448.

Allele frequency attached by ClinVar (database versions not stated): ExAC 0.00001; gnomAD 0.00001; gnomAD exomes 0.00001; TOPMed 0.00001.
gnomAD v4.1: 10 of 1,613,960 alleles (0.00062%); highest among the groups gnomAD compares: Admixed American, 0.017%; no homozygotes.

Submissions (2):

Labcorp Genetics (formerly Invitae), Labcorp
Classification: Uncertain significance. Last evaluated: 2023-08-04. Review status: criteria provided, single submitter. Criteria: Invitae Variant Classification Sherloc (09022015). Collection method: clinical testing. Allele origin: germline.
Comment: In summary, the available evidence is currently insufficient to determine the role of this variant in disease. Therefore, it has been classified as a Variant of Uncertain Significance. Advanced modeling of protein sequence and biophysical properties (such as structural, functional, and spatial information, amino acid conservation, physicochemical variation, residue mobility, and thermodynamic stability) performed at Invitae indicates that this missense variant is expected to disrupt LRP2 protein function. ClinVar contains an entry for this variant (Variation ID: 1360968). This variant has not been reported in the literature in individuals affected with LRP2-related conditions. This variant is present in population databases (rs777093582, gnomAD 0.006%). This sequence change replaces aspartic acid, which is acidic and polar, with tyrosine, which is neutral and polar, at codon 1424 of the LRP2 protein (p.Asp1424Tyr).

Fulgent Genetics
Classification: Uncertain significance for Donnai-Barrow syndrome. Last evaluated: 2021-09-08. Review status: criteria provided, single submitter. Criteria: ACMG Guidelines, 2015. Collection method: clinical testing. Allele origin: unknown.